The following is an entry in ClinVar:

NM_000169.3(GLA):c.884T>G (p.Phe295Cys)

Genes: GLA (galactosidase alpha; minus strand), RPL36A-HNRNPH2 (RPL36A-HNRNPH2 readthrough; plus strand). Cytogenetic location: Xq22.1.
Variant type: single nucleotide variant.
Coding change: c.884T>G on transcript NM_000169.3 (MANE Select); coding-DNA position 884, T replaced by G.
Protein change: p.Phe295Cys; replaces phenylalanine 295 with cysteine.
Molecular consequence: missense variant. On other transcripts: non-coding transcript variant (3), intron variant (2).
Genome position (GRCh38, 1-based): chrX:101,398,485, A>C on the plus strand (T>G on the coding strand, the complement: GLA is on the minus strand). VCF-style: chrX-101398485-A-C. GRCh37 (hg19) VCF-style: chrX-100653473-A-C.
Other names: c.1007T>G, p.Phe336Cys (NM_001406747.1); c.884T>G, p.Phe295Cys (NM_001406748.1); c.300+3028A>C (NM_001199973.2); c.177+6663A>C (NM_001199974.2); short protein forms F295C, F336C.
Identifiers: ClinVar variation 997945 (VCV000997945.3), dbSNP rs1928168711, ClinGen allele CA413922484.
Genomic context (GRCh38, chrX:101,398,485, plus strand): 5'-TCCTTATCCTGAAGGAGAGCTTTGGCTTGAGGGCTGATGTGTCGGAGGTCATTAGACATG[A>C]ATAAAGGAGCAGCCATGATAGCCCAGAGGGCCATCTGAGTTACTTGCTGATTCCAGCTGA-3'
Protein context (NP_000160.1, residues 285-305): ALWAIMAAPL[Phe295Cys]MSNDLRHISP

ClinVar aggregate classification (germline): Pathogenic/Likely pathogenic. Review status: criteria provided, multiple submitters, no conflicts (2 of 4 stars). 2 submissions from 2 submitters: Pathogenic (1); Likely pathogenic (1). Last evaluated 2026-09-08.

Conditions:
Fabry disease. Also called: Ceramide trihexosidosis; CERAMIDE TRIHEXOSIDASE DEFICIENCY; GLA DEFICIENCY; HEREDITARY DYSTOPIC LIPIDOSIS; ALPHA-GALACTOSIDASE A DEFICIENCY; ANDERSON-FABRY DISEASE. Identifiers: Orphanet 324, MedGen C0002986, MONDO:0010526, OMIM 301500, HP:0001071. Disease mechanism: loss of function, Fabry disease is due to inactivating mutations in the X-linked GLA gene resulting in deficiency of the enzyme Alpha Galactosidase-A..

Submissions (2):

Genomenon, Inc
Classification: Likely pathogenic for Fabry disease. Last evaluated: 2026-09-08. Review status: criteria provided, single submitter. Criteria: Genomenon Sequence Variant Interpretation Standards - Updated. Collection method: curation. Allele origin: germline. Affected: yes.
Comment: GLA p.Phe295Cys (c.884T>G) is a missense variant that changes the amino acid at codon 295 from Phenylalanine to Cysteine. This variant has been observed in at least one proband with clinical features consistent with Fabry disease (PMID:25974833;32442237;27657681;23176611;30723321). At least one functional study has demonstrated a substantial alteration in protein function relative to the wild-type (PMID:21598360;30723321;27657681). It is absent or not present at a significant frequency in gnomAD. In silico models predict that this variant is possibly or probably damaging. In conclusion, we classify GLA p.Phe295Cys (c.884T>G) as a likely pathogenic variant.

Women's Health and Genetics/Laboratory Corporation of America, LabCorp
Classification: Pathogenic for Fabry disease. Last evaluated: 2021-02-23. Review status: criteria provided, single submitter. Criteria: LabCorp Variant Classification Summary - May 2015. Collection method: clinical testing. Allele origin: germline.
Comment: Variant summary: GLA c.884T>G (p.Phe295Cys) results in a non-conservative amino acid change in the encoded protein sequence. Five of five in-silico tools predict a damaging effect of the variant on protein function. The variant was absent in 183467 control chromosomes. c.884T>G has been reported in the literature in multiple individuals affected with Fabry Disease (Wu_2011, Echevarria_2015, Mauhin_2018). These data indicate that the variant is very likely to be associated with disease. In experimental studies, the variant was consistently reported to have drastically reduced alpha-Gal activity compared to normal: t-cells grown from Fabry disease patients showed 1% alpha-Gal activity, which increased to 29% with the addition of Migalastat (Shin_2008). Similarly, cultured HEK-293 cells showed 4% alpha-Gal activity, which increased to 44% with addition of Migalastat (Wu_2011). However, PBMCs from a patient with Fabry disease, which showed 0% alpha-Gal activity, did not show a meaningful increase in activity with the addition of Migalastat (Wu_2011). No clinical diagnostic laboratories have submitted clinical-significance assessments for this variant to ClinVar after 2014. Based on the evidence outlined above, the variant was classified as pathogenic.

Literature cited by the submitters: PubMed 25974833 (cited by Genomenon, Inc and Women's Health and Genetics/Laboratory Corporation of America, LabCorp); PubMed 32442237 (cited by Genomenon, Inc); PubMed 27657681 (cited by Genomenon, Inc); PubMed 23176611 (cited by Genomenon, Inc); PubMed 30723321 (cited by Genomenon, Inc); PubMed 21598360 (cited by Genomenon, Inc and Women's Health and Genetics/Laboratory Corporation of America, LabCorp); PubMed 18698230 (cited by Women's Health and Genetics/Laboratory Corporation of America, LabCorp); PubMed 30064518 (cited by Women's Health and Genetics/Laboratory Corporation of America, LabCorp).